The following is an entry in ClinVar:

ClinVar aggregate classification (germline): Likely benign (1 of 4 stars; one submission).

Allele frequency attached by ClinVar (database versions not stated): TOPMed 0.00002; gnomAD 0.00004 and 0.00005.

Submission:

GeneDx
Classification: Likely benign. Last evaluated: 2018-04-27. Review status: criteria provided, single submitter. Criteria: GeneDx Variant Classification (06012015). Collection method: clinical testing. Allele origin: germline. Affected: yes.
Comment: This variant is considered likely benign or benign based on one or more of the following criteria: it is a conservative change, it occurs at a poorly conserved position in the protein, it is predicted to be benign by multiple in silico algorithms, and/or has population frequency not consistent with disease.

NM_002907.4(RECQL):c.395-11_395-10insC

Gene: RECQL (RecQ like helicase; minus strand). Cytogenetic location: 12p12.1.
Variant type: Insertion.
Coding change: c.395-11_395-10insC on transcript NM_002907.4 (MANE Select); 11 bases into the intron before coding-DNA position 395 through 10 bases into the intron before coding-DNA position 395, C inserted.
Molecular consequence: intron variant.
Genome position: GRCh38 VCF-style: chr12-21486595-A-AG. GRCh37 (hg19) VCF-style: chr12-21639529-A-AG.
Other names: c.395-11_395-10insC (NM_032941.3).
Identifiers: ClinVar variation 682574 (VCV000682574.1), dbSNP rs1491569117, ClinGen allele CA603675292.